The following is an entry in ClinVar:

ClinVar aggregate classification (germline): Conflicting classifications of pathogenicity. Review status: criteria provided, conflicting classifications (1 of 4 stars). 4 submissions from 4 submitters: Uncertain significance (3); Likely benign (1). Last evaluated 2026-01-21.

Conditions:
Inborn genetic diseases. Identifiers: MedGen C0950123, MeSH D030342.
Nemaline myopathy 2 (NEM2). Also called: Nemaline myopathy 2, autosomal recessive. Identifiers: MedGen C1850569, MONDO:0009725, OMIM 256030.

Allele frequency attached by ClinVar (database versions not stated): gnomAD 0.00007; TOPMed 0.00005; gnomAD exomes 0.00010; ExAC 0.00018.

Submissions (4):

Labcorp Genetics (formerly Invitae), Labcorp
Classification: Likely benign for Nemaline myopathy 2. Last evaluated: 2026-01-21. Review status: criteria provided, single submitter. Criteria: Invitae Variant Classification Sherloc (09022015). Collection method: clinical testing. Allele origin: germline.

Ambry Genetics
Classification: Uncertain significance for Inborn genetic diseases. Last evaluated: 2024-10-29. Review status: criteria provided, single submitter. Criteria: Ambry Variant Classification Scheme 2023. Collection method: clinical testing. Allele origin: germline.

GeneDx
Classification: Uncertain significance. Last evaluated: 2024-09-11. Review status: criteria provided, single submitter. Criteria: GeneDx Variant Classification Process June 2021. Collection method: clinical testing. Allele origin: germline. Affected: yes.
Comment: In silico analysis indicates that this missense variant does not alter protein structure/function; Has not been previously published as pathogenic or benign to our knowledge

Revvity Omics, Revvity
Classification: Uncertain significance. Last evaluated: 2023-09-11. Review status: criteria provided, single submitter. Criteria: ACMG Guidelines, 2015. Collection method: clinical testing. Allele origin: germline.

NM_001164508.2(NEB):c.3527A>G (p.Asp1176Gly)

Gene: NEB (nebulin; minus strand). Cytogenetic location: 2q23.3.
Variant type: single nucleotide variant.
Coding change: c.3527A>G on transcript NM_001164508.2 (MANE Select); coding-DNA position 3527, A replaced by G.
Protein change: p.Asp1176Gly; replaces aspartic acid 1176 with glycine.
Molecular consequence: missense variant.
Genome position (GRCh38, 1-based): chr2:151,677,916, T>C on the plus strand (A>G on the coding strand, the complement: NEB is on the minus strand). VCF-style: chr2-151677916-T-C. GRCh37 (hg19) VCF-style: chr2-152534430-T-C.
Other names: c.3527A>G (NM_004543.4); c.3527A>G, p.Asp1176Gly (NM_001164507.2, NM_001271208.2, NM_004543.5); short protein forms D1176G.
Identifiers: ClinVar variation 2111619 (VCV002111619.7), dbSNP rs199511221, ClinGen allele CA1910892.